The following is an entry in ClinVar:

ClinVar aggregate classification (germline): Uncertain significance (1 of 4 stars; one submission).

Submission:

Greenwood Genetic Center Diagnostic Laboratories, Greenwood Genetic Center
Classification: Uncertain significance. Last evaluated: 2025-04-01. Review status: criteria provided, single submitter. Criteria: ACMG Guidelines, 2015. Collection method: clinical testing. Allele origin: germline. Affected: yes.
Comment: PM2, PP3

NM_004933.3(CDH15):c.534T>G (p.Asp178Glu)

Gene: CDH15 (cadherin 15; plus strand). Cytogenetic location: 16q24.3.
Variant type: single nucleotide variant.
Coding change: c.534T>G on transcript NM_004933.3 (MANE Select); coding-DNA position 534, T replaced by G.
Protein change: p.Asp178Glu; replaces aspartic acid 178 with glutamic acid.
Molecular consequence: missense variant.
Genome position (GRCh38, 1-based): chr16:89,185,204, T>G. VCF-style: chr16-89185204-T-G. GRCh37 (hg19) VCF-style: chr16-89251612-T-G.
Other names: short protein forms D178E.
Identifiers: ClinVar variation 4538322 (VCV004538322.1).